The following is an entry in ClinVar:

ClinVar aggregate classification (germline): Uncertain significance. Review status: criteria provided, single submitter (1 of 4 stars). 2 submissions from 2 submitters: Uncertain significance (1). 1 of the submissions does not count toward it. Last evaluated 2023-05-20.

Conditions:
NFKB2-related disorder. Also called: NFKB2-related condition.
Immunodeficiency, common variable, 10. Also called: IMMUNODEFICIENCY, COMMON VARIABLE, WITH CENTRAL ADRENAL INSUFFICIENCY; DEFICIT IN ANTERIOR PITUITARY FUNCTION AND VARIABLE IMMUNODEFICIENCY. Identifiers: MedGen C3809991, MONDO:0014260, OMIM 615577.

Submissions (2):

Labcorp Genetics (formerly Invitae), Labcorp
Classification: Uncertain significance for Immunodeficiency, common variable, 10. Last evaluated: 2023-05-20. Review status: criteria provided, single submitter. Criteria: Invitae Variant Classification Sherloc (09022015). Collection method: clinical testing. Allele origin: germline.
Comment: This variant is present in population databases (rs201232602, gnomAD 0.0009%). This variant has not been reported in the literature in individuals affected with NFKB2-related conditions. ClinVar contains an entry for this variant (Variation ID: 2147998). An algorithm developed to predict the effect of missense changes on protein structure and function (PolyPhen-2) suggests that this variant is likely to be disruptive. In summary, the available evidence is currently insufficient to determine the role of this variant in disease. Therefore, it has been classified as a Variant of Uncertain Significance. This sequence change replaces leucine, which is neutral and non-polar, with methionine, which is neutral and non-polar, at codon 778 of the NFKB2 protein (p.Leu778Met).

PreventionGenetics, part of Exact Sciences
Classification: Uncertain significance for NFKB2-related condition. Last evaluated: 2024-08-21. Review status: no assertion criteria provided. Collection method: clinical testing. Allele origin: germline. Not counted in ClinVar's aggregate classification.
Comment: The NFKB2 c.2332C>A variant is predicted to result in the amino acid substitution p.Leu778Met. To our knowledge, this variant has not been reported in the literature. This variant is reported in 0.0018% of alleles in individuals of European (Non-Finnish) descent in gnomAD. At this time, the clinical significance of this variant is uncertain due to the absence of conclusive functional and genetic evidence.

NM_001322934.2(NFKB2):c.2332C>A (p.Leu778Met)

Gene: NFKB2 (nuclear factor kappa B subunit 2; plus strand). Cytogenetic location: 10q24.32.
Variant type: single nucleotide variant.
Coding change: c.2332C>A on transcript NM_001322934.2 (MANE Select); coding-DNA position 2332, C replaced by A.
Protein change: p.Leu778Met; replaces leucine 778 with methionine.
Molecular consequence: missense variant.
Genome position (GRCh38, 1-based): chr10:102,401,783, C>A. VCF-style: chr10-102401783-C-A. GRCh37 (hg19) VCF-style: chr10-104161540-C-A.
Other names: c.2332C>A, p.Leu778Met (NM_001077493.1, NM_001077494.3, NM_001261403.3 and 2 more transcripts); c.2206C>A, p.Leu736Met (NM_001322935.1); short protein forms L736M, L778M.
Identifiers: ClinVar variation 2147998 (VCV002147998.5), dbSNP rs201232602, ClinGen allele CA5665061.